The following is an entry in ClinVar:

ClinVar aggregate classification (germline): Conflicting classifications of pathogenicity. Review status: criteria provided, conflicting classifications (1 of 4 stars). 3 submissions from 3 submitters: Uncertain significance (1); Likely benign (2). Last evaluated 2023-11-13.

Conditions:
Cardiovascular phenotype. Identifiers: MedGen CN230736.

Allele frequency attached by ClinVar (database versions not stated): gnomAD exomes 0.00002 and 0.00003; ExAC 0.00005; TOPMed 0.00006; gnomAD 0.00007; ESP Exome Variant Server 0.00016.
gnomAD v4.1: 32 of 1,515,846 alleles (0.0021%); highest among the groups gnomAD compares: African/African-American, 0.017%; no homozygotes.

Submissions (3):

Women's Health and Genetics/Laboratory Corporation of America, LabCorp
Classification: Uncertain significance. Last evaluated: 2023-11-13. Review status: criteria provided, single submitter. Criteria: LabCorp Variant Classification Summary - May 2015. Collection method: clinical testing. Allele origin: germline.
Comment: Variant summary: TTN c.64771A>G (p.Ile21591Val) results in a conservative amino acid change in the A-band region of the encoded protein sequence. Four of four in-silico tools predict a benign effect of the variant on protein function. The variant allele was found at a frequency of 2.8e-05 in 176074 control chromosomes. The available data on variant occurrences in the general population are insufficient to allow any conclusion about variant significance. To our knowledge, no occurrence of c.64771A>G in individuals affected with Limb-Girdle Muscular Dystrophy, Type 2J or other TTN-related diseases and no experimental evidence demonstrating its impact on protein function have been reported. Two submitters have cited clinical-significance assessments for this variant to ClinVar after 2014. Both submitters classified the variant as likely benign. Based on the evidence outlined above, the variant was classified as uncertain significance.

GeneDx
Classification: Likely benign. Last evaluated: 2020-01-14. Review status: criteria provided, single submitter. Criteria: GeneDx Variant Classification Process June 2021. Collection method: clinical testing. Allele origin: germline. Affected: yes.

Ambry Genetics
Classification: Likely benign for Cardiovascular phenotype. Last evaluated: 2019-09-19. Review status: criteria provided, single submitter. Criteria: Ambry Variant Classification Scheme 2023. Collection method: clinical testing. Allele origin: germline.

NM_001267550.2(TTN):c.72475A>G (p.Ile24159Val)

Genes: TTN (titin; minus strand), TTN-AS1 (TTN antisense RNA 1; plus strand). Cytogenetic location: 2q31.2.
Variant type: single nucleotide variant.
Coding change: c.72475A>G on transcript NM_001267550.2 (MANE Select); coding-DNA position 72475, A replaced by G.
Protein change: p.Ile24159Val; replaces isoleucine 24159 with valine.
Molecular consequence: missense variant.
Genome position (GRCh38, 1-based): chr2:178,573,657, T>C on the plus strand (A>G on the coding strand, the complement: TTN is on the minus strand). VCF-style: chr2-178573657-T-C. GRCh37 (hg19) VCF-style: chr2-179438384-T-C.
Other names: c.67552A>G, p.Ile22518Val (NM_001256850.1); c.45280A>G, p.Ile15094Val (NM_003319.4); c.64771A>G, p.Ile21591Val (NM_133378.4); c.45655A>G, p.Ile15219Val (NM_133432.3); c.45856A>G, p.Ile15286Val (NM_133437.4); short protein forms I22518V, I24159V, I15286V, I15219V, I15094V, I21591V.
Identifiers: ClinVar variation 510836 (VCV000510836.5), dbSNP rs371764714, ClinGen allele CA1990495.
Genomic context (GRCh38, chr2:178,573,657, plus strand): 5'-CTTGGACTTCTGAGGCTACATTTGTCCATGCCAATCTGCTGGTTTCACGTTTCTGTACTA[T>C]GTAATGATCAATTTTGGCACCTCCATCATCCAGTGGAGGGAACCATGATAGTACACACTT-3'
Protein context (NP_001254479.2, residues 24149-24169): DDGGAKIDHY[Ile24159Val]VQKRETSRLA